The following is an entry in ClinVar:

NM_020843.4(SCAPER):c.4086T>C (p.Pro1362=)

Gene: SCAPER (S-phase cyclin A associated protein in the ER; minus strand). Cytogenetic location: 15q24.3.
Variant type: single nucleotide variant.
Coding change: c.4086T>C on transcript NM_020843.4 (MANE Select); coding-DNA position 4086, T replaced by C.
Protein change: p.Pro1362=; no amino-acid change (proline 1362 retained).
Molecular consequence: synonymous variant. On other transcripts: non-coding transcript variant (1).
Genome position (GRCh38, 1-based): chr15:76,351,250, A>G on the plus strand (T>C on the coding strand, the complement: SCAPER is on the minus strand). VCF-style: chr15-76351250-A-G. GRCh37 (hg19) VCF-style: chr15-76643591-A-G.
Other names: c.3348T>C, p.Pro1116= (NM_001145923.2); c.4104T>C, p.Pro1368= (NM_001353009.2); c.3684T>C, p.Pro1228= (NM_001353010.2, NM_001353012.2); c.3702T>C, p.Pro1234= (NM_001353011.2).
Identifiers: ClinVar variation 4995643 (VCV004995643.1).

ClinVar aggregate classification (germline): Likely benign (1 of 4 stars; one submission).

Conditions:
SCAPER-related disorder. Also called: SCAPER-related condition.

gnomAD v4.1: 4 of 1,610,446 alleles (0.00025%); highest among the groups gnomAD compares: African/African-American, 0.0053%; no homozygotes.

Submission:

PreventionGenetics, part of Exact Sciences
Classification: Likely benign for SCAPER-related condition. Last evaluated: 2026-05-07. Review status: criteria provided, single submitter. Criteria: ACMG Guidelines, 2015. Collection method: clinical testing. Allele origin: germline.
Comment: This variant is classified as likely benign based on ACMG/AMP sequence variant interpretation guidelines (Richards et al. 2015 PMID: 25741868, with internal and published modifications).